The following is an entry in ClinVar:

NM_024334.3(TMEM43):c.1150C>A (p.Leu384Ile)

Gene: TMEM43 (transmembrane protein 43; plus strand). Cytogenetic location: 3p25.1.
Variant type: single nucleotide variant.
Coding change: c.1150C>A on transcript NM_024334.3 (MANE Select); coding-DNA position 1150, C replaced by A.
Protein change: p.Leu384Ile; replaces leucine 384 with isoleucine.
Molecular consequence: missense variant.
Genome position (GRCh38, 1-based): chr3:14,141,742, C>A. VCF-style: chr3-14141742-C-A. GRCh37 (hg19) VCF-style: chr3-14183242-C-A.
Other names: c.1153C>A, p.Leu385Ile (NM_001407274.1); c.1147C>A, p.Leu383Ile (NM_001407275.1, NM_001407276.1); c.1144C>A, p.Leu382Ile (NM_001407277.1); c.1135C>A, p.Leu379Ile (NM_001407278.1); c.1075C>A, p.Leu359Ile (NM_001407279.1); c.1000C>A, p.Leu334Ile (NM_001407280.1); short protein forms L334I, L359I, L379I, L382I, L383I, L384I, L385I.
Identifiers: ClinVar variation 3075516 (VCV003075516.1), dbSNP rs193922706, ClinGen allele CA351536627.

ClinVar aggregate classification (germline): Uncertain significance (1 of 4 stars; one submission).

Conditions:
Arrhythmogenic right ventricular dysplasia 5. Also called: Arrhythmogenic Right Ventricular Dysplasia/Cardiomyopathy 5; ARRHYTHMOGENIC RIGHT VENTRICULAR DYSPLASIA, FAMILIAL, 5. Identifiers: MedGen C1858379, MONDO:0011459, OMIM 604400.

gnomAD v4.1: 3 of 1,614,090 alleles (0.00019%); highest among the groups gnomAD compares: Non-Finnish European, 0.00017%; no homozygotes.

Submission:

All of Us Research Program, National Institutes of Health
Classification: Uncertain significance for Arrhythmogenic right ventricular dysplasia 5. Last evaluated: 2023-02-24. Review status: criteria provided, single submitter. Criteria: ACMG Guidelines, 2015. Collection method: clinical testing. Allele origin: germline. Inheritance: Autosomal dominant inheritance. Observed: 1 variant allele, 1 heterozygote.
Comment: This missense variant replaces leucine with isoleucine at codon 384 of the TMEM43 protein. Computational prediction suggests that this variant may not impact protein structure and function (internally defined REVEL score threshold <= 0.5, PMID: 27666373). To our knowledge, functional studies have not been reported for this variant. This variant has not been reported in individuals affected with cardiovascular disorders in the literature. This variant has not been identified in the general population by the Genome Aggregation Database (gnomAD). The available evidence is insufficient to determine the role of this variant in disease conclusively. Therefore, this variant is classified as a Variant of Uncertain Significance.

This study involves interpretation of variants in research participants for the purpose of population health screening. Participant phenotype was not available at the time of variant classification. Additional details can be found in publication PMID: 35346344, PMCID: PMC8962531